The following is an entry in ClinVar:

ClinVar aggregate classification (germline): Likely pathogenic (1 of 4 stars; one submission).

Conditions:
Cystic leukoencephalopathy without megalencephaly. Identifiers: Orphanet 85136, MedGen C2751843, MONDO:0013058, OMIM 612951.

Submission:

Neuberg Centre For Genomic Medicine, NCGM
Classification: Likely pathogenic for Cystic leukoencephalopathy without megalencephaly. Last evaluated: 2023-07-22. Review status: criteria provided, single submitter. Criteria: ACMG Guidelines, 2015. Collection method: clinical testing. Allele origin: germline. Inheritance: Autosomal recessive inheritance. Affected: yes.
Comment: The observed frameshift c.195_198del p.Gly66TyrfsTer17 variant in RNASET2 gene has not been previously reported as a pathogenic nor as a benign variant, to our knowledge. This variant is absent in gnomAD exomes. It has not been submitted to ClinVar database. This variant is predicted to cause loss of normal protein function through protein truncation. Loss of function variants have been previously reported to be disease causing. Additional functional studies will be required to prove the pathogenicity of this variant. For these reasons, this variant has been classified as Likely Pathogenic.

NM_003730.6(RNASET2):c.195_198del (p.Gly66fs)

Gene: RNASET2 (ribonuclease T2; minus strand). Cytogenetic location: 6q27.
Variant type: Deletion.
Coding change: c.195_198del on transcript NM_003730.6 (MANE Select); coding-DNA positions 195 to 198, 4 bases deleted (TGGA; older notation c.195_198delTGGA).
Protein change: p.Gly66fs; shifts the reading frame from glycine 66.
Molecular consequence: frameshift variant.
Genome position (GRCh38, 1-based): chr6:166,948,575-166,948,578, TCCA deleted on the plus strand (TGGA on the coding strand, the reverse complement: RNASET2 is on the minus strand); deleting any 4 consecutive bases within chr6:166,948,575-166,948,579 gives the same sequence; the c. name uses the placement nearest the transcript's 3' end. VCF-style (leftmost placement, unchanged base first): chr6-166948574-GTCCA-G. GRCh37 (hg19) VCF-style: chr6-167362062-GTCCA-G.
Other names: short protein forms G66fs.
Identifiers: ClinVar variation 3391303 (VCV003391303.1).